The following is an entry in ClinVar:

NM_000426.4(LAMA2):c.1721C>T (p.Ala574Val)

Gene: LAMA2 (laminin subunit alpha 2; plus strand). Cytogenetic location: 6q22.33.
Variant type: single nucleotide variant.
Coding change: c.1721C>T on transcript NM_000426.4 (MANE Select); coding-DNA position 1721, C replaced by T.
Protein change: p.Ala574Val; replaces alanine 574 with valine.
Molecular consequence: missense variant.
Genome position (GRCh38, 1-based): chr6:129,192,792, C>T. VCF-style: chr6-129192792-C-T. GRCh37 (hg19) VCF-style: chr6-129513937-C-T.
Other names: c.1721C>T, p.Ala574Val (NM_001079823.2); short protein forms A574V.
Identifiers: ClinVar variation 3777606 (VCV003777606.1).

ClinVar aggregate classification (germline): Uncertain significance (1 of 4 stars; one submission).

Submission:

GeneDx
Classification: Uncertain significance. Last evaluated: 2024-10-11. Review status: criteria provided, single submitter. Criteria: GeneDx Variant Classification Process June 2021. Collection method: clinical testing. Allele origin: germline. Affected: yes.
Comment: Not observed at significant frequency in large population cohorts (gnomAD); In silico analysis indicates that this missense variant does not alter protein structure/function; Has not been previously published as pathogenic or benign to our knowledge